The following is an entry in ClinVar:

NM_003238.6(TGFB2):c.268G>C (p.Glu90Gln)

Gene: TGFB2 (transforming growth factor beta 2; plus strand). Cytogenetic location: 1q41.
Variant type: single nucleotide variant.
Coding change: c.268G>C on transcript NM_003238.6 (MANE Select); coding-DNA position 268, G replaced by C.
Protein change: p.Glu90Gln; replaces glutamic acid 90 with glutamine.
Molecular consequence: missense variant. On other transcripts: non-coding transcript variant (2).
Genome position (GRCh38, 1-based): chr1:218,346,969, G>C. VCF-style: chr1-218346969-G-C. GRCh37 (hg19) VCF-style: chr1-218520311-G-C.
Other names: c.268G>C, p.Glu90Gln (NM_001135599.4); short protein forms E90Q.
Identifiers: ClinVar variation 940840 (VCV000940840.12), dbSNP rs749309877, ClinGen allele CA344725655.

ClinVar aggregate classification (germline): Uncertain significance (1 of 4 stars; one submission).

Conditions:
Loeys-Dietz syndrome 4 (LDS4). Also called: ANEURYSM, AORTIC AND CEREBRAL, WITH ARTERIAL TORTUOSITY AND SKELETAL MANIFESTATIONS; TGFB2-Related Loeys-Dietz Syndrome. Identifiers: MedGen C3553762, MONDO:0013897, OMIM 614816.

Submission:

Labcorp Genetics (formerly Invitae), Labcorp
Classification: Uncertain significance for Loeys-Dietz syndrome 4. Last evaluated: 2022-12-02. Review status: criteria provided, single submitter. Criteria: Invitae Variant Classification Sherloc (09022015). Collection method: clinical testing. Allele origin: germline.
Comment: In summary, the available evidence is currently insufficient to determine the role of this variant in disease. Therefore, it has been classified as a Variant of Uncertain Significance. Advanced modeling of protein sequence and biophysical properties (such as structural, functional, and spatial information, amino acid conservation, physicochemical variation, residue mobility, and thermodynamic stability) performed at Invitae indicates that this missense variant is not expected to disrupt TGFB2 protein function. ClinVar contains an entry for this variant (Variation ID: 940840). This variant has not been reported in the literature in individuals affected with TGFB2-related conditions. This variant is not present in population databases (gnomAD no frequency). This sequence change replaces glutamic acid, which is acidic and polar, with glutamine, which is neutral and polar, at codon 90 of the TGFB2 protein (p.Glu90Gln).